The following is an entry in ClinVar:

ClinVar aggregate classification (germline): Pathogenic (1 of 4 stars; one submission).

Conditions:
Inborn genetic diseases. Identifiers: MedGen C0950123, MeSH D030342.

Submission:

Ambry Genetics
Classification: Pathogenic for Inborn genetic diseases. Last evaluated: 2025-01-10. Review status: criteria provided, single submitter. Criteria: Ambry Variant Classification Scheme 2023. Collection method: clinical testing. Allele origin: germline.
Comment: The c.1438delG (p.A480Lfs*19) alteration, located in exon 14 (coding exon 13) of the OCA2 gene, consists of a deletion of one nucleotide at position 1438, causing a translational frameshift with a predicted alternate stop codon after 19 amino acids. This alteration is expected to result in loss of function by premature protein truncation or nonsense-mediated mRNA decay. This variant was not reported in population-based cohorts in the Genome Aggregation Database (gnomAD). Based on the available evidence, this alteration is classified as pathogenic.

NM_000275.3(OCA2):c.1438del (p.Ala480fs)

Gene: OCA2 (OCA2 melanosomal transmembrane protein; minus strand). Cytogenetic location: 15q13.1.
Variant type: Deletion.
Coding change: c.1438del on transcript NM_000275.3 (MANE Select); coding-DNA position 1438, one base deleted (G; older notation c.1438delG).
Protein change: p.Ala480fs; shifts the reading frame from alanine 480.
Molecular consequence: frameshift variant.
Genome position (GRCh38, 1-based): chr15:27,983,410, C deleted on the plus strand (G on the coding strand, the reverse complement: OCA2 is on the minus strand). VCF-style (leftmost placement, unchanged base first): chr15-27983409-GC-G. GRCh37 (hg19) VCF-style: chr15-28228555-GC-G.
Other names: c.1366del, p.Ala456fs (NM_001300984.2); short protein forms A456fs, A480fs.
Identifiers: ClinVar variation 3882515 (VCV003882515.1).